The following is an entry in ClinVar:

NM_016239.4(MYO15A):c.7267G>A (p.Gly2423Ser)

Gene: MYO15A (myosin XVA; plus strand). Cytogenetic location: 17p11.2.
Variant type: single nucleotide variant.
Coding change: c.7267G>A on transcript NM_016239.4 (MANE Select); coding-DNA position 7267, G replaced by A.
Protein change: p.Gly2423Ser; replaces glycine 2423 with serine.
Molecular consequence: missense variant.
Genome position (GRCh38, 1-based): chr17:18,150,483, G>A. VCF-style: chr17-18150483-G-A. GRCh37 (hg19) VCF-style: chr17-18053797-G-A.
Other names: c.7267G>A (NM_016239.3); short protein forms G2423S.
Identifiers: ClinVar variation 1147542 (VCV001147542.10), dbSNP rs530783345, ClinGen allele CA8424790.

ClinVar aggregate classification (germline): Conflicting classifications of pathogenicity. Review status: criteria provided, conflicting classifications (1 of 4 stars). 3 submissions from 3 submitters: Uncertain significance (1); Likely benign (2). Last evaluated 2026-01-22.

Conditions:
Inborn genetic diseases. Identifiers: MedGen C0950123, MeSH D030342.

Allele frequency attached by ClinVar (database versions not stated): gnomAD 0.00001 and 0.00003; TOPMed 0.00005; 1000 Genomes Project 0.00020; 1000 Genomes Project 30x 0.00031.
gnomAD v4.1: 44 of 1,614,162 alleles (0.0027%); highest among the groups gnomAD compares: East Asian, 0.025%; no homozygotes.

Submissions (3):

Labcorp Genetics (formerly Invitae), Labcorp
Classification: Likely benign. Last evaluated: 2026-01-22. Review status: criteria provided, single submitter. Criteria: Invitae Variant Classification Sherloc (09022015). Collection method: clinical testing. Allele origin: germline.

Women's Health and Genetics/Laboratory Corporation of America, LabCorp
Classification: Uncertain significance. Last evaluated: 2026-01-06. Review status: criteria provided, single submitter. Criteria: LabCorp Variant Classification Summary - May 2015. Collection method: clinical testing. Allele origin: germline.
Comment: Variant summary: MYO15A c.7267G>A (p.Gly2423Ser) results in a non-conservative amino acid change in the encoded protein sequence. Algorithms developed to predict the effect of missense changes on protein structure and function are either unavailable or do not agree on the potential impact of this missense change. The variant allele was found at a frequency of 6.4e-05 in 249544 control chromosomes. This frequency is not significantly higher than estimated for disease-causing variants in MYO15A, allowing no conclusion about variant significance. To our knowledge, no occurrence of c.7267G>A in individuals affected with MYO15A-related conditions and no experimental evidence demonstrating its impact on protein function have been reported. The following publication has been ascertained in the context of this evaluation (PMID: 36484990). ClinVar contains an entry for this variant (Variation ID: 1147542). Based on the evidence outlined above, the variant was classified as uncertain significance.

Ambry Genetics
Classification: Likely benign for Inborn genetic diseases. Last evaluated: 2023-09-12. Review status: criteria provided, single submitter. Criteria: Ambry Variant Classification Scheme 2023. Collection method: clinical testing. Allele origin: germline.

Literature cited by the submitters: PubMed 36484990 (cited by Women's Health and Genetics/Laboratory Corporation of America, LabCorp).